The following is an entry in ClinVar:

NM_001129.5(AEBP1):c.254-3C>T

Gene: AEBP1 (AE binding protein 1; plus strand). Cytogenetic location: 7p13.
Variant type: single nucleotide variant.
Coding change: c.254-3C>T on transcript NM_001129.5 (MANE Select); 3 bases into the intron before coding-DNA position 254, C replaced by T.
Molecular consequence: intron variant.
Genome position (GRCh38, 1-based): chr7:44,106,543, C>T. VCF-style: chr7-44106543-C-T. GRCh37 (hg19) VCF-style: chr7-44146142-C-T.
Identifiers: ClinVar variation 2998047 (VCV002998047.3), dbSNP rs1458610375, ClinGen allele CA574225956.

ClinVar aggregate classification (germline): Uncertain significance (1 of 4 stars; one submission).

Allele frequency attached by ClinVar (database versions not stated): TOPMed below 0.00001; gnomAD 0.00001.
gnomAD v4.1: 3 of 1,588,164 alleles (0.00019%); highest among the groups gnomAD compares: Non-Finnish European, 0.00026%; no homozygotes.

Submission:

Labcorp Genetics (formerly Invitae), Labcorp
Classification: Uncertain significance. Last evaluated: 2022-12-27. Review status: criteria provided, single submitter. Criteria: Invitae Variant Classification Sherloc (09022015). Collection method: clinical testing. Allele origin: germline.
Comment: This variant has not been reported in the literature in individuals affected with AEBP1-related conditions. This variant is not present in population databases (gnomAD no frequency). This sequence change falls in intron 1 of the AEBP1 gene. It does not directly change the encoded amino acid sequence of the AEBP1 protein. It affects a nucleotide within the consensus splice site. Variants that disrupt the consensus splice site are a relatively common cause of aberrant splicing (PMID: 17576681, 9536098). Algorithms developed to predict the effect of sequence changes on RNA splicing suggest that this variant is not likely to affect RNA splicing. In summary, the available evidence is currently insufficient to determine the role of this variant in disease. Therefore, it has been classified as a Variant of Uncertain Significance.

Literature cited by the submitters: PubMed 17576681; PubMed 9536098.